The following is an entry in ClinVar:

ClinVar aggregate classification (germline): Uncertain significance (1 of 4 stars; one submission).

Submission:

GeneDx
Classification: Uncertain significance. Last evaluated: 2025-06-01. Review status: criteria provided, single submitter. Criteria: GeneDx Variant Classification Process June 2021. Collection method: clinical testing. Allele origin: germline. Affected: yes.
Comment: Not observed at significant frequency in large population cohorts (gnomAD); In silico analysis supports that this missense variant has a deleterious effect on protein structure/function; Has not been previously published as pathogenic or benign to our knowledge

NM_031263.4(HNRNPK):c.557C>T (p.Pro186Leu)

Genes: HNRNPK (heterogeneous nuclear ribonucleoprotein K; minus strand), HNRNPK-AS1 (HNRNPK antisense RNA 1; plus strand). Cytogenetic location: 9q21.32.
Variant type: single nucleotide variant.
Coding change: c.557C>T on transcript NM_031263.4 (MANE Select); coding-DNA position 557, C replaced by T.
Protein change: p.Pro186Leu; replaces proline 186 with leucine.
Molecular consequence: missense variant.
Genome position (GRCh38, 1-based): chr9:83,972,932, G>A on the plus strand (C>T on the coding strand, the complement: HNRNPK is on the minus strand). VCF-style: chr9-83972932-G-A. GRCh37 (hg19) VCF-style: chr9-86587847-G-A.
Other names: c.485C>T, p.Pro162Leu (NM_001318186.2, NM_001318187.2); c.557C>T, p.Pro186Leu (NM_001318188.2, NM_002140.5, NM_031262.4); short protein forms P162L, P186L.
Identifiers: ClinVar variation 3372674 (VCV003372674.2).